The following is an entry in ClinVar:

ClinVar aggregate classification (germline): Pathogenic/Likely pathogenic. Review status: criteria provided, multiple submitters, no conflicts (2 of 4 stars). 7 submissions from 7 submitters: Pathogenic (3); Likely pathogenic (3). 1 of the submissions does not count toward it. Last evaluated 2024-09-23.

Conditions:
King Denborough syndrome (KDS). Identifiers: MedGen C1840365, MONDO:0020485, OMIM 619542.
Congenital myopathy with fiber type disproportion. Also called: Congenital fiber-type disproportion myopathy; Congenital fiber-type disproportion. Identifiers: Orphanet 2020, MedGen C0546264, MONDO:0009711. Inheritance: all.
Central core myopathy (CMYO1A). Also called: Central core disease; Myopathy, central fibrillar; CONGENITAL MYOPATHY 1A, AUTOSOMAL DOMINANT, WITH SUSCEPTIBILITY TO MALIGNANT HYPERTHERMIA. Identifiers: Orphanet 597, MedGen C5830701, MONDO:0007294, OMIM 117000.
Malignant hyperthermia, susceptibility to, 1 (MHS1). Also called: Anesthesia related hyperthermia; Malignant hyperpyrexia; Fulminating hyperpyrexia; Pharmacogenic myopathy; Malignant hyperthermia suceptibility 1; RYR1-Related Malignant Hyperthermia Susceptibility. Identifiers: Orphanet 423, MedGen C2930980, MONDO:0007783, OMIM 145600.
Congenital multicore myopathy with external ophthalmoplegia (CMYO1B). Also called: Minicore myopathy with external ophthalmoplegia; MULTICORE MYOPATHY; Congenital myopathy 1B, autosomal recessive; Minicore myopathy; MULTIMINICORE DISEASE WITH EXTERNAL OPHTHALMOPLEGIA. Identifiers: Orphanet 598, Orphanet 98905, MedGen C1850674, MONDO:0009712, OMIM 255320, HP:0003789.
RYR1-related disorder. Also called: RYR1-related condition; RYR1-related disorders. Identifiers: MedGen CN239331.

Allele frequency attached by ClinVar (database versions not stated): gnomAD exomes below 0.00001; gnomAD 0.00001.
gnomAD v4.1: 5 of 1,613,772 alleles (0.00031%); highest among the groups gnomAD compares: Non-Finnish European, 0.00034%; no homozygotes.

Submissions (7):

3billion
Classification: Pathogenic for Congenital multicore myopathy with external ophthalmoplegia. Last evaluated: 2024-09-23. Review status: criteria provided, single submitter. Criteria: ACMG Guidelines, 2015. Collection method: clinical testing. Allele origin: germline. Affected: yes.
Comment: The variant is observed at an extremely low frequency in the gnomAD v4.0.0 dataset (total allele frequency: <0.001%). Predicted Consequence/Location: Stop-gained (nonsense): predicted to result in a loss or disruption of normal protein function through nonsense-mediated decay (NMD) or protein truncation. Multiple pathogenic variants are reported downstream of the variant. The variant has been reported to be in trans with a pathogenic variant as either compound heterozygous or homozygous in at least one similarly affected unrelated individual (3billion dataset). The variant has been reported at least twice as pathogenic with clinical assertions and evidence for the classification (ClinVar ID: VCV000478201 /PMID: 29172004 /3billion dataset). Therefore, this variant is classified as Pathogenic according to the recommendation of ACMG/AMP guideline.

GeneDx
Classification: Pathogenic. Last evaluated: 2024-09-23. Review status: criteria provided, single submitter. Criteria: GeneDx Variant Classification Process June 2021. Collection method: clinical testing. Allele origin: germline. Affected: yes.
Comment: Observed with a pathogenic variant on the opposite allele (in trans) or phase unknown in patients with features consistent with RYR1-related myopathy in published literature (PMID: 37273706, 33726816, 29172004); Nonsense variant predicted to result in protein truncation or nonsense mediated decay in a gene for which loss of function is a known mechanism of disease; Not observed at significant frequency in large population cohorts (gnomAD); This variant is associated with the following publications: (PMID: 24433488, 37273706, 29172004, 33726816)

Labcorp Genetics (formerly Invitae), Labcorp
Classification: Pathogenic for RYR1-related disorder. Last evaluated: 2023-12-19. Review status: criteria provided, single submitter. Criteria: Invitae Variant Classification Sherloc (09022015). Collection method: clinical testing. Allele origin: germline.
Comment: This sequence change creates a premature translational stop signal (p.Arg4945*) in the RYR1 gene. It is expected to result in an absent or disrupted protein product. Loss-of-function variants in RYR1 are known to be pathogenic (PMID: 23919265, 25960145, 28818389, 30611313). This variant is present in population databases (no rsID available, gnomAD 0.0009%). This premature translational stop signal has been observed in individual(s) with autosomal recessive congenital myopathy (PMID: 29172004). This variant has been reported in individual(s) with autosomal dominant malignant hyperthermia susceptibility (PMID: 24433488); however, the role of the variant in this condition is currently unclear. ClinVar contains an entry for this variant (Variation ID: 478201). For these reasons, this variant has been classified as Pathogenic.

Fulgent Genetics
Classification: Likely pathogenic for Central core myopathy; Malignant hyperthermia, susceptibility to, 1; Congenital myopathy 4A, autosomal dominant; Congenital multicore myopathy with external ophthalmoplegia; King Denborough syndrome. Last evaluated: 2021-10-13. Review status: criteria provided, single submitter. Criteria: ACMG Guidelines, 2015. Collection method: clinical testing. Allele origin: unknown.

Eurofins Ntd Llc (ga)
Classification: Likely pathogenic. Last evaluated: 2017-02-22. Review status: criteria provided, single submitter. Criteria: EGL Classification Definitions 2015. Collection method: clinical testing. Allele origin: germline. Observed: 1 variant allele, 1 heterozygote.

Clinical Genetics and Genomics, Karolinska University Hospital
Classification: Likely pathogenic. Last evaluated: 2017-01-03. Review status: criteria provided, single submitter. Criteria: ACMG Guidelines, 2015. Collection method: clinical testing. Allele origin: germline. Affected: yes. Observed: 1 variant allele.

All of Us Research Program, National Institutes of Health
Classification: Uncertain significance for Malignant hyperthermia, susceptibility to, 1. Last evaluated: 2023-08-28. Review status: flagged submission. Criteria: ACMG Guidelines, 2015. Collection method: clinical testing. Allele origin: germline. Inheritance: Autosomal dominant inheritance. Observed: 2 variant alleles, 2 heterozygotes. Not counted in ClinVar's aggregate classification.
Comment: This variant changes 1 nucleotide in exon 103 of the RYR1 gene, creating a premature translation stop signal. This variant is expected to result in an absent or non-functional protein product. This variant has been reported in one individual with autosomal dominant malignant hyperthermia (PMID: 24433488), and has been observed in individuals with other phenotype(s) (PMID: 29172004). This variant has been identified in 1/31344 chromosomes in the general population by the Genome Aggregation Database (gnomAD). Loss of RYR1 function due to truncation variants is not an established disease mechanism for autosomal dominant malignant hyperthermia, although it is associated with other phenotype(s) (ClinVar variation ID: 478201). Due to insufficient evidence, this variant is classified as a Variant of Uncertain Significance for autosomal dominant malignant hyperthermia.

This study involves interpretation of variants in research participants for the purpose of population health screening. Participant phenotype was not available at the time of variant classification. Additional details can be found in publication PMID: 35346344, PMCID: PMC8962531
ClinVar note: Reason: Outlier claim with insufficient supporting evidence

Literature cited by the submitters: PubMed 29172004 (cited by 3 submitters); PubMed 23919265 (cited by Labcorp Genetics (formerly Invitae), Labcorp); PubMed 25960145 (cited by Labcorp Genetics (formerly Invitae), Labcorp); PubMed 28818389 (cited by Labcorp Genetics (formerly Invitae), Labcorp); PubMed 30611313 (cited by Labcorp Genetics (formerly Invitae), Labcorp); PubMed 24433488 (cited by Labcorp Genetics (formerly Invitae), Labcorp and All of Us Research Program, National Institutes of Health).

NM_000540.3(RYR1):c.14833C>T (p.Arg4945Ter)

Gene: RYR1 (ryanodine receptor 1; plus strand). Cytogenetic location: 19q13.2.
Variant type: single nucleotide variant.
Coding change: c.14833C>T on transcript NM_000540.3 (MANE Select); coding-DNA position 14833, C replaced by T.
Protein change: p.Arg4945Ter; replaces arginine 4945 with a stop codon.
Molecular consequence: nonsense.
Genome position (GRCh38, 1-based): chr19:38,585,967, C>T. VCF-style: chr19-38585967-C-T. GRCh37 (hg19) VCF-style: chr19-39076607-C-T.
Other names: c.14818C>T, p.Arg4940Ter (NM_001042723.2); short protein forms R4945*, R4940*.
Identifiers: ClinVar variation 478201 (VCV000478201.19), dbSNP rs1432807966, ClinGen allele CA405692312.
Genomic context (GRCh38, chr19:38,585,967, plus strand): 5'-TCGGGCACTGACTTGTGTCCTGCCACCCCAGGTCTGATCATCGACGCTTTTGGTGAGCTC[C>T]GAGACCAACAAGAGCAAGTGAAGGAGGATATGGAGGTAGGTCATGTCTGGGGGTGACCCA-3'